The following is an entry in ClinVar:

ClinVar aggregate classification (germline): Uncertain significance. Review status: criteria provided, multiple submitters, no conflicts (2 of 4 stars). 2 submissions from 2 submitters: Uncertain significance (2). Last evaluated 2023-03-22.

Conditions:
Inosine triphosphatase deficiency. Also called: INOSINE TRIPHOSPHATE PYROPHOSPHOHYDROLASE DEFICIENCY. Identifiers: MedGen C0342800, MONDO:0013461, OMIM 613850.
Inborn genetic diseases. Identifiers: MedGen C0950123, MeSH D030342.

Allele frequency attached by ClinVar (database versions not stated): gnomAD exomes 0.00003 and 0.00004; ExAC 0.00004; TOPMed 0.00005; gnomAD 0.00006 and 0.00007.
gnomAD v4.1: 49 of 1,613,944 alleles (0.003%); highest among the groups gnomAD compares: South Asian, 0.016%; no homozygotes.

Submissions (2):

Ambry Genetics
Classification: Uncertain significance for Inborn genetic diseases. Last evaluated: 2023-03-22. Review status: criteria provided, single submitter. Criteria: Ambry Variant Classification Scheme 2023. Collection method: clinical testing. Allele origin: germline.

Labcorp Genetics (formerly Invitae), Labcorp
Classification: Uncertain significance for Inosine triphosphatase deficiency. Last evaluated: 2022-07-26. Review status: criteria provided, single submitter. Criteria: Invitae Variant Classification Sherloc (09022015). Collection method: clinical testing. Allele origin: germline.
Comment: This sequence change replaces proline, which is neutral and non-polar, with leucine, which is neutral and non-polar, at codon 49 of the ITPA protein (p.Pro49Leu). This variant is present in population databases (rs757955055, gnomAD 0.02%). This variant has not been reported in the literature in individuals affected with ITPA-related conditions. ClinVar contains an entry for this variant (Variation ID: 860292). Algorithms developed to predict the effect of missense changes on protein structure and function (SIFT, PolyPhen-2, Align-GVGD) all suggest that this variant is likely to be tolerated. In summary, the available evidence is currently insufficient to determine the role of this variant in disease. Therefore, it has been classified as a Variant of Uncertain Significance.

NM_033453.4(ITPA):c.146C>T (p.Pro49Leu)

Gene: ITPA (inosine triphosphatase; plus strand). Cytogenetic location: 20p13.
Variant type: single nucleotide variant.
Coding change: c.146C>T on transcript NM_033453.4 (MANE Select); coding-DNA position 146, C replaced by T.
Protein change: p.Pro49Leu; replaces proline 49 with leucine.
Molecular consequence: missense variant. On other transcripts: 5 prime UTR variant (4), intron variant (1).
Genome position (GRCh38, 1-based): chr20:3,213,340, C>T. VCF-style: chr20-3213340-C-T. GRCh37 (hg19) VCF-style: chr20-3193986-C-T.
Other names: c.-192C>T (NM_001324236.2, NM_001324237.2, NM_001324238.2 and 1 more transcripts); c.146C>T, p.Pro49Leu (NM_001324240.2); c.95C>T, p.Pro32Leu (NM_181493.4); c.67-645C>T (NM_001267623.2); c.146C>T (NM_033453.2); short protein forms P49L, P32L.
Identifiers: ClinVar variation 860292 (VCV000860292.6), dbSNP rs757955055, ClinGen allele CA9741182.